The following is an entry in ClinVar:

ClinVar aggregate classification (germline): Uncertain significance (1 of 4 stars; one submission).

Conditions:
Hereditary cancer-predisposing syndrome. Also called: Neoplastic Syndromes, Hereditary; Tumor predisposition; Hereditary neoplastic syndrome; Hereditary Cancer Syndrome. Identifiers: Orphanet 140162, MedGen C0027672, MeSH D009386, MONDO:0015356.

Submission:

Ambry Genetics
Classification: Uncertain significance for Hereditary cancer-predisposing syndrome. Last evaluated: 2026-09-01. Review status: criteria provided, single submitter. Criteria: Ambry Variant Classification Scheme 2023. Collection method: clinical testing. Allele origin: germline.
Comment: The p.K85Q variant (also known as c.253A>C), located in coding exon 3 of the POT1 gene, results from an A to C substitution at nucleotide position 253. The lysine at codon 85 is replaced by glutamine, an amino acid with similar properties. This amino acid position is highly conserved in available vertebrate species. In addition, the in silico prediction for this alteration is inconclusive. Based on the available evidence, the clinical significance of this variant remains unclear.

NM_015450.3(POT1):c.253A>C (p.Lys85Gln)

Gene: POT1 (protection of telomeres 1; minus strand). Cytogenetic location: 7q31.33.
Variant type: single nucleotide variant.
Coding change: c.253A>C on transcript NM_015450.3 (MANE Select); coding-DNA position 253, A replaced by C.
Protein change: p.Lys85Gln; replaces lysine 85 with glutamine.
Molecular consequence: missense variant. On other transcripts: non-coding transcript variant (3), intron variant (1).
Genome position (GRCh38, 1-based): chr7:124,870,913, T>G on the plus strand (A>C on the coding strand, the complement: POT1 is on the minus strand). VCF-style: chr7-124870913-T-G. GRCh37 (hg19) VCF-style: chr7-124510967-T-G.
Other names: c.-138-7273A>C (NM_001042594.2); short protein forms K85Q.
Identifiers: ClinVar variation 5027194 (VCV005027194.1).